The following is an entry in ClinVar:

NM_177965.4(CFAP418):c.16_19del (p.Asp6fs)

Genes: CFAP418 (cilia and flagella associated protein 418; minus strand), CFAP418-AS1 (CFAP418 antisense RNA 1; plus strand), LOC130000784 (ATAC-STARR-seq lymphoblastoid active region 27655; plus strand). Cytogenetic location: 8q22.1.
Variant type: Deletion.
Coding change: c.16_19del on transcript NM_177965.4 (MANE Select); coding-DNA positions 16 to 19, 4 bases deleted (GACG; older notation c.16_19delGACG).
Protein change: p.Asp6fs; shifts the reading frame from aspartic acid 6.
Molecular consequence: frameshift variant.
Genome position (GRCh38, 1-based): chr8:95,269,171-95,269,174, CGTC deleted on the plus strand (GACG on the coding strand, the reverse complement: CFAP418 is on the minus strand); deleting any 4 consecutive bases within chr8:95,269,171-95,269,175 gives the same sequence; the c. name uses the placement nearest the transcript's 3' end. VCF-style (leftmost placement, unchanged base first): chr8-95269170-TCGTC-T. GRCh37 (hg19) VCF-style: chr8-96281398-TCGTC-T.
Other names: c.16_19del, p.Asp6fs (NM_001363260.1); short protein forms D6fs.
Identifiers: ClinVar variation 631535 (VCV000631535.33), dbSNP rs1563477343, ClinGen allele CA913189953.

ClinVar aggregate classification (germline): Pathogenic (1 of 4 stars; one submission).

Submission:

CeGaT Center for Human Genetics Tuebingen
Classification: Pathogenic. Last evaluated: 2022-11-01. Review status: criteria provided, single submitter. Criteria: CeGaT Center For Human Genetics Tuebingen Variant Classification Criteria Version 2. Collection method: clinical testing. Allele origin: germline. Affected: yes. Observed: 1 variant allele.
Comment: CFAP418: PVS1, PM2